The following is an entry in ClinVar:

NM_001291867.2(NHS):c.3162T>G (p.Pro1054=)

Gene: NHS (NHS actin remodeling regulator; plus strand). Cytogenetic location: Xp22.13.
Variant type: single nucleotide variant.
Coding change: c.3162T>G on transcript NM_001291867.2 (MANE Select); coding-DNA position 3162, T replaced by G.
Protein change: p.Pro1054=; no amino-acid change (proline 1054 retained).
Molecular consequence: synonymous variant.
Genome position (GRCh38, 1-based): chrX:17,727,268, T>G. VCF-style: chrX-17727268-T-G. GRCh37 (hg19) VCF-style: chrX-17745388-T-G.
Other names: c.2631T>G, p.Pro877= (NM_001136024.4); c.2568T>G, p.Pro856= (NM_001291868.2); c.2823T>G, p.Pro941= (NM_001440780.1); c.3099T>G, p.Pro1033= (NM_198270.4).
Identifiers: ClinVar variation 4999065 (VCV004999065.1).

ClinVar aggregate classification (germline): Likely benign (1 of 4 stars; one submission).

Conditions:
NHS-related disorder. Also called: NHS-related condition.

Submission:

PreventionGenetics, part of Exact Sciences
Classification: Likely benign for NHS-related condition. Last evaluated: 2024-11-22. Review status: criteria provided, single submitter. Criteria: ACMG Guidelines, 2015. Collection method: clinical testing. Allele origin: germline.
Comment: This variant is classified as likely benign based on ACMG/AMP sequence variant interpretation guidelines (Richards et al. 2015 PMID: 25741868, with internal and published modifications).